The following is an entry in ClinVar:

ClinVar aggregate classification (germline): Uncertain significance. Review status: criteria provided, multiple submitters, no conflicts (2 of 4 stars). 5 submissions from 5 submitters: Uncertain significance (5). Last evaluated 2026-08-01.

Conditions:
Autosomal recessive nonsyndromic hearing loss 77. Identifiers: Orphanet 90636, MedGen C2746083, MONDO:0013119, OMIM 613079.

Allele frequency attached by ClinVar (database versions not stated): gnomAD 0.00002 and 0.00003; gnomAD exomes 0.00003 and 0.00010; TOPMed 0.00004; ExAC 0.00005; ESP Exome Variant Server 0.00044.
gnomAD v4.1: 143 of 1,551,042 alleles (0.0092%); highest among the groups gnomAD compares: Non-Finnish European, 0.012%; no homozygotes.

Submissions (5):

CeGaT Center for Human Genetics Tuebingen
Classification: Uncertain significance. Last evaluated: 2026-08-01. Review status: criteria provided, single submitter. Criteria: CeGaT Center For Human Genetics Tuebingen Variant Classification Criteria Version 2. Collection method: clinical testing. Allele origin: germline. Affected: yes. Observed: 2 variant alleles.
Comment: LOXHD1: PM2, PP3

GeneDx
Classification: Uncertain significance. Last evaluated: 2025-05-01. Review status: criteria provided, single submitter. Criteria: GeneDx Variant Classification Process June 2021. Collection method: clinical testing. Allele origin: germline. Affected: yes.
Comment: Intronic variant directly or indirectly altering the +5 splice site in a gene for which loss of function is a known mechanism of disease, and splice predictors support a deleterious effect; Has not been previously published as pathogenic or benign to our knowledge

Labcorp Genetics (formerly Invitae), Labcorp
Classification: Uncertain significance. Last evaluated: 2024-05-23. Review status: criteria provided, single submitter. Criteria: Invitae Variant Classification Sherloc (09022015). Collection method: clinical testing. Allele origin: germline.
Comment: This sequence change falls in intron 2 of the LOXHD1 gene. It does not directly change the encoded amino acid sequence of the LOXHD1 protein. It affects a nucleotide within the consensus splice site. This variant is present in population databases (rs374277176, gnomAD 0.01%). This variant has not been reported in the literature in individuals affected with LOXHD1-related conditions. ClinVar contains an entry for this variant (Variation ID: 326883). Variants that disrupt the consensus splice site are a relatively common cause of aberrant splicing (PMID: 17576681, 9536098). Algorithms developed to predict the effect of sequence changes on RNA splicing suggest that this variant may disrupt the consensus splice site. In summary, the available evidence is currently insufficient to determine the role of this variant in disease. Therefore, it has been classified as a Variant of Uncertain Significance.

Blueprint Genetics
Classification: Uncertain significance. Last evaluated: 2023-01-18. Review status: criteria provided, single submitter. Criteria: ACMG Guidelines, 2015. Collection method: clinical testing. Allele origin: germline.

Illumina Laboratory Services, Illumina
Classification: Uncertain significance for Autosomal recessive nonsyndromic hearing loss 77. Last evaluated: 2018-01-12. Review status: criteria provided, single submitter. Criteria: ICSL Variant Classification Criteria 13 December 2019. Collection method: clinical testing. Allele origin: germline.

Literature cited by the submitters: PubMed 17576681 (cited by Labcorp Genetics (formerly Invitae), Labcorp); PubMed 9536098 (cited by Labcorp Genetics (formerly Invitae), Labcorp).

NM_001384474.1(LOXHD1):c.245+5G>A

Gene: LOXHD1 (lipoxygenase homology PLAT domains 1; minus strand). Cytogenetic location: 18q21.1.
Variant type: single nucleotide variant.
Coding change: c.245+5G>A on transcript NM_001384474.1 (MANE Select); 5 bases into the intron after coding-DNA position 245, G replaced by A.
Molecular consequence: intron variant.
Genome position (GRCh38, 1-based): chr18:46,649,150, C>T on the plus strand (G>A on the coding strand, the complement: LOXHD1 is on the minus strand). VCF-style: chr18-46649150-C-T. GRCh37 (hg19) VCF-style: chr18-44229113-C-T.
Other names: c.245+5G>A (NM_144612.7).
Identifiers: ClinVar variation 326883 (VCV000326883.11), dbSNP rs374277176, ClinGen allele CA8952948.